The following is an entry in ClinVar:

ClinVar aggregate classification (germline): Uncertain significance. Review status: criteria provided, multiple submitters, no conflicts (2 of 4 stars). 2 submissions from 2 submitters: Uncertain significance (2). Last evaluated 2023-12-11.

Allele frequency attached by ClinVar (database versions not stated): gnomAD exomes below 0.00001; ExAC 0.00001; TOPMed 0.00002; gnomAD 0.00003; ESP Exome Variant Server 0.00008.
gnomAD v4.1: 44 of 1,614,104 alleles (0.0027%); highest among the groups gnomAD compares: Non-Finnish European, 0.0033%; no homozygotes.

Submissions (2):

Labcorp Genetics (formerly Invitae), Labcorp
Classification: Uncertain significance. Last evaluated: 2023-12-11. Review status: criteria provided, single submitter. Criteria: Invitae Variant Classification Sherloc (09022015). Collection method: clinical testing. Allele origin: germline.
Comment: This sequence change replaces arginine, which is basic and polar, with tryptophan, which is neutral and slightly polar, at codon 556 of the SLC7A14 protein (p.Arg556Trp). This variant is present in population databases (rs202048294, gnomAD 0.003%). This variant has not been reported in the literature in individuals affected with SLC7A14-related conditions. ClinVar contains an entry for this variant (Variation ID: 865930). An algorithm developed to predict the effect of missense changes on protein structure and function (PolyPhen-2) suggests that this variant is likely to be disruptive. In summary, the available evidence is currently insufficient to determine the role of this variant in disease. Therefore, it has been classified as a Variant of Uncertain Significance.

Blueprint Genetics
Classification: Uncertain significance. Last evaluated: 2022-09-27. Review status: criteria provided, single submitter. Criteria: ACMG Guidelines, 2015. Collection method: clinical testing. Allele origin: germline.

NM_020949.3(SLC7A14):c.1666C>T (p.Arg556Trp)

Genes: SLC7A14 (solute carrier family 7 member 14; minus strand), SLC7A14-AS1 (SLC7A14 antisense RNA 1; plus strand). Cytogenetic location: 3q26.2.
Variant type: single nucleotide variant.
Coding change: c.1666C>T on transcript NM_020949.3 (MANE Select); coding-DNA position 1666, C replaced by T.
Protein change: p.Arg556Trp; replaces arginine 556 with tryptophan.
Molecular consequence: missense variant.
Genome position (GRCh38, 1-based): chr3:170,480,616, G>A on the plus strand (C>T on the coding strand, the complement: SLC7A14 is on the minus strand). VCF-style: chr3-170480616-G-A. GRCh37 (hg19) VCF-style: chr3-170198405-G-A.
Other names: short protein forms R556W.
Identifiers: ClinVar variation 865930 (VCV000865930.7), dbSNP rs202048294, ClinGen allele CA2701590.
Genomic context (GRCh38, chr3:170,480,616, plus strand): 5'-TGAGGATGAAGAGCAGGAGCACGCAGATGGTCACCGTGTGCCCCGTCGCTGCTGTGGGCC[G>A]GTCCATTTTGCCTGGAAGGCCCAGCCGGATTCTCATGGTGTAATAATGAGGCCCAATCAG-3'
Protein context (NP_066000.2, residues 546-566): IRLGLPGKMD[Arg556Trp]PTAATGHTVT